The following is an entry in ClinVar:

ClinVar aggregate classification (germline): Pathogenic (1 of 4 stars; one submission).

Conditions:
Familial thoracic aortic aneurysm and aortic dissection (TAAD). Also called: Thoracic aortic aneurysms and dissections. Identifiers: Orphanet 91387, MedGen C4707243, MONDO:0019625.

Submission:

Ambry Genetics
Classification: Pathogenic for Familial thoracic aortic aneurysm and aortic dissection. Last evaluated: 2017-08-10. Review status: criteria provided, single submitter. Criteria: Ambry Variant Classification Scheme 2023. Collection method: clinical testing. Allele origin: germline.
Comment: The c.5371_5372delATinsTTGT pathogenic mutation, located in coding exon 31 of the FLNA gene, results from the deletion of two nucleotides and insertion of 4 nucleotides causing a translational frameshift with a predicted alternate stop codon (p.I1791Lfs*31). This alteration is expected to result in loss of function by premature protein truncation or nonsense-mediated mRNA decay. As such, this alteration is interpreted as a disease-causing mutation.

NM_001110556.2(FLNA):c.5395delinsTTG (p.Ile1799fs)

Gene: FLNA (filamin A; minus strand). Cytogenetic location: Xq28.
Variant type: Indel.
Coding change: c.5395delinsTTG on transcript NM_001110556.2 (MANE Select); coding-DNA position 5395, A replaced by TTG.
Protein change: p.Ile1799fs; shifts the reading frame from isoleucine 1799.
Molecular consequence: frameshift variant.
Genome position (GRCh38, 1-based): chrX:154,354,402, T replaced by CAA on the plus strand (A replaced by TTG on the coding strand, the reverse complement: FLNA is on the minus strand). VCF-style: chrX-154354402-T-CAA. GRCh37 (hg19) VCF-style: chrX-153582770-T-CAA.
Other names: c.5371delinsTTG, p.Ile1791fs (NM_001456.4); short protein forms I1791fs, I1799fs.
Identifiers: ClinVar variation 1747105 (VCV001747105.2), dbSNP rs2522726871, ClinGen allele CA2580101853.